The following is an entry in ClinVar:

ClinVar aggregate classification (germline): Uncertain significance (1 of 4 stars; one submission).

Conditions:
Chédiak-Higashi syndrome (CHS). Also called: Chediak-Higashi Syndrome. Identifiers: Orphanet 167, MedGen C0007965, MONDO:0008963, OMIM 214500.

gnomAD v4.1: 1 of 1,612,552 alleles (0.000062%); no homozygotes.

Submission:

Labcorp Genetics (formerly Invitae), Labcorp
Classification: Uncertain significance for Chédiak-Higashi syndrome. Last evaluated: 2022-08-08. Review status: criteria provided, single submitter. Criteria: Invitae Variant Classification Sherloc (09022015). Collection method: clinical testing. Allele origin: germline.
Comment: This sequence change replaces aspartic acid, which is acidic and polar, with glutamic acid, which is acidic and polar, at codon 1640 of the LYST protein (p.Asp1640Glu). This variant is not present in population databases (gnomAD no frequency). This variant has not been reported in the literature in individuals affected with LYST-related conditions. Algorithms developed to predict the effect of missense changes on protein structure and function (SIFT, PolyPhen-2, Align-GVGD) all suggest that this variant is likely to be tolerated. In summary, the available evidence is currently insufficient to determine the role of this variant in disease. Therefore, it has been classified as a Variant of Uncertain Significance.

NM_000081.4(LYST):c.4920T>G (p.Asp1640Glu)

Gene: LYST (lysosomal trafficking regulator; minus strand). Cytogenetic location: 1q42.3.
Variant type: single nucleotide variant.
Coding change: c.4920T>G on transcript NM_000081.4 (MANE Select); coding-DNA position 4920, T replaced by G.
Protein change: p.Asp1640Glu; replaces aspartic acid 1640 with glutamic acid.
Molecular consequence: missense variant.
Genome position (GRCh38, 1-based): chr1:235,782,030, A>C on the plus strand (T>G on the coding strand, the complement: LYST is on the minus strand). VCF-style: chr1-235782030-A-C. GRCh37 (hg19) VCF-style: chr1-235945330-A-C.
Other names: c.4920T>G, p.Asp1640Glu (NM_001301365.1); short protein forms D1640E.
Identifiers: ClinVar variation 2110323 (VCV002110323.3), dbSNP rs992244106, ClinGen allele CA39624370.
Genomic context (GRCh38, chr1:235,782,030, plus strand): 5'-CTGCAAAAACTCTTCTTGGGATGATAAACAATGGCCAATCATGCAAAATGTTTTATTGCT[A>C]TCAGATGACAAACTTGTTTTTCTTGGAAGCATAAAATCCAAAGTAACATCAGGCTTCCTA-3'
Protein context (NP_000072.2, residues 1630-1650): MLPRKTSLSS[Asp1640Glu]SNKTFCMIGH